The following is an entry in ClinVar:

ClinVar aggregate classification (germline): Uncertain significance (1 of 4 stars; one submission).

Submission:

Ambry Genetics
Classification: Uncertain significance. Last evaluated: 2025-09-11. Review status: criteria provided, single submitter. Criteria: Ambry Variant Classification Scheme 2023. Collection method: clinical testing. Allele origin: germline.
Comment: The p.A97P variant (also known as c.289G>C), located in coding exon 2 of the GFI1 gene, results from a G to C substitution at nucleotide position 289. The alanine at codon 97 is replaced by proline, an amino acid with highly similar properties. This amino acid position is conserved. In addition, this alteration is predicted to be tolerated by in silico analysis. Based on the available evidence, the clinical significance of this variant remains unclear.

NM_005263.5(GFI1):c.289G>C (p.Ala97Pro)

Gene: GFI1 (growth factor independent 1 transcriptional repressor; minus strand). Cytogenetic location: 1p22.1.
Variant type: single nucleotide variant.
Coding change: c.289G>C on transcript NM_005263.5 (MANE Select); coding-DNA position 289, G replaced by C.
Protein change: p.Ala97Pro; replaces alanine 97 with proline.
Molecular consequence: missense variant.
Genome position (GRCh38, 1-based): chr1:92,482,873, C>G on the plus strand (G>C on the coding strand, the complement: GFI1 is on the minus strand). VCF-style: chr1-92482873-C-G. GRCh37 (hg19) VCF-style: chr1-92948430-C-G.
Other names: c.289G>C, p.Ala97Pro (NM_001127215.3, NM_001127216.3); short protein forms A97P.
Identifiers: ClinVar variation 4263254 (VCV004263254.1).